The following is an entry in ClinVar:

ClinVar aggregate classification (germline): Pathogenic (1 of 4 stars; one submission).

Submission:

GeneDx
Classification: Pathogenic. Last evaluated: 2019-08-22. Review status: criteria provided, single submitter. Criteria: GeneDx Variant Classification (06012015). Collection method: clinical testing. Allele origin: germline. Affected: yes.
Comment: Has not been previously reported as pathogenic or benign to our knowledge. Not observed in large population cohorts (MacDonald et al., 2014). This variant is the result of an Alu mobile insertion element interrupting coding sequence in exon 30 and is predicted to cause loss of normal protein function. Mobile insertion elements, including retrotransposon-mediated events such as Alu inserts, are estimated to account for 1 in 600 disease causing variants (Kazazian et al., 1999). We interpret this as a Pathogenic Variant.

NM_001242896.1:c.2958_2959insAlu

Gene: DEPDC5 (DEP domain containing 5, GATOR1 subcomplex subunit; plus strand). Cytogenetic location: 22q12.2-12.3.
Variant type: Insertion.
Identifiers: ClinVar variation 801012 (VCV000801012.1).